The following is an entry in ClinVar:

ClinVar aggregate classification (germline): Uncertain significance (1 of 4 stars; one submission).

Conditions:
Hereditary cancer-predisposing syndrome. Also called: Neoplastic Syndromes, Hereditary; Tumor predisposition; Hereditary Cancer Syndrome; Hereditary neoplastic syndrome. Identifiers: Orphanet 140162, MedGen C0027672, MeSH D009386, MONDO:0015356.

Submission:

Ambry Genetics
Classification: Uncertain significance for Hereditary cancer-predisposing syndrome. Last evaluated: 2025-12-09. Review status: criteria provided, single submitter. Criteria: Ambry Variant Classification Scheme 2023. Collection method: clinical testing. Allele origin: germline.
Comment: The p.T303I variant (also known as c.908C>T), located in coding exon 5 of the KIT gene, results from a C to T substitution at nucleotide position 908. The threonine at codon 303 is replaced by isoleucine, an amino acid with similar properties. This amino acid position is not well conserved in available vertebrate species. In addition, this alteration is predicted to be tolerated by in silico analysis. Based on the available evidence, the clinical significance of this variant remains unclear.

NM_000222.3(KIT):c.908C>T (p.Thr303Ile)

Gene: KIT (KIT proto-oncogene, receptor tyrosine kinase; plus strand). Cytogenetic location: 4q12.
Variant type: single nucleotide variant.
Coding change: c.908C>T on transcript NM_000222.3 (MANE Select); coding-DNA position 908, C replaced by T.
Protein change: p.Thr303Ile; replaces threonine 303 with isoleucine.
Molecular consequence: missense variant.
Genome position (GRCh38, 1-based): chr4:54,703,875, C>T. VCF-style: chr4-54703875-C-T. GRCh37 (hg19) VCF-style: chr4-55570041-C-T.
Other names: c.908C>T, p.Thr303Ile (NM_001093772.2, NM_001385285.1, NM_001385286.1); c.911C>T, p.Thr304Ile (NM_001385284.1, NM_001385288.1, NM_001385290.1 and 1 more transcripts); short protein forms T303I, T304I.
Identifiers: ClinVar variation 4645439 (VCV004645439.1).